The following is an entry in ClinVar:

NC_000003.11:g.(97483822_97485475)_(97487075_97499002)del

Gene: ARL6 (ARF like GTPase 6; plus strand). Cytogenetic location: 3q11.2.
Variant type: Deletion.
Identifiers: ClinVar variation 1722483 (VCV001722483.1).

ClinVar aggregate classification (germline): Likely pathogenic (1 of 4 stars; one submission).

Conditions:
Bardet-Biedl syndrome (BBS). Identifiers: Orphanet 110, MedGen C0752166, MONDO:0015229.

Submission:

Women's Health and Genetics/Laboratory Corporation of America, LabCorp
Classification: Likely pathogenic for Bardet-Biedl syndrome. Last evaluated: 2022-09-29. Review status: criteria provided, single submitter. Criteria: LabCorp Variant Classification Summary - May 2015. Collection method: clinical testing. Allele origin: germline.
Comment: Variant summary: The variant identified by MLPA or other technology involves the deletion of exons 2-3 in the ARL6 gene (exon 1 and 2 are non-coding regions). A presumed nomenclature of c.(-87+1_-86-1)_(123+1_124-1)del has been designated for the purposes of this classification. Although exact breakpoints of this deletion are not known, it is expected to result in an absent or disrupted protein product (start-loss) in the ARL6 gene, a known mechanism of disease. The variant was absent in 21694 control chromosomes (gnomAD SVs). c.(-87+1_-86-1)_(123+1_124-1)del has not been reported in the literature but another variant (exon 1-3 del) results in the same protein change as this variant was found in one homozygous patient affected with Bardet-Biedl Syndrome (2012). These data indicate that the variant may be associated with disease. To our knowledge, no experimental evidence demonstrating an impact on protein function has been reported. One ClinVar submitter (evaluation after 2014) cites the variant as pathogenic. Based on the evidence outlined above, the variant was classified as likely pathogenic.

Literature cited by the submitters: PubMed 22773737.